The following is an entry in ClinVar:

ClinVar aggregate classification (germline): Likely pathogenic (1 of 4 stars; one submission).

Conditions:
Atypical glycine encephalopathy. Also called: Glycine encephalopathy with normal serum glycine. Identifiers: Orphanet 289863, MedGen C4310943, MONDO:0015010, OMIM 617301.

Submission:

Center for Human Genetics and Genomic Medicine, Uniklinik Rwth Aachen
Classification: Likely pathogenic for Atypical glycine encephalopathy. Last evaluated: 2026-03-26. Review status: criteria provided, single submitter. Criteria: ACMG Guidelines, 2015. Collection method: clinical testing. Allele origin: biparental. Inheritance: Autosomal recessive inheritance. Affected: yes. Observed: 1 variant allele, 1 homozygote.
Comment: The variant is not in public databases (gnomAD v4.1.0). Missense variants in SLC6A9 are a common mechanism of disease. REVEL: 0.822. Detailed clinical examination has shown that the patient's phenotype is specific for a SLC6A9-related condition. PP4_sup, PP3_mod, PM2_sup, PM3_sup, PP2

NM_001024845.3(SLC6A9):c.671C>T (p.Ser224Phe)

Gene: SLC6A9 (solute carrier family 6 member 9; minus strand). Cytogenetic location: 1p34.1.
Variant type: single nucleotide variant.
Coding change: c.671C>T on transcript NM_001024845.3 (MANE Select); coding-DNA position 671, C replaced by T.
Protein change: p.Ser224Phe; replaces serine 224 with phenylalanine.
Molecular consequence: missense variant. On other transcripts: non-coding transcript variant (1).
Genome position (GRCh38, 1-based): chr1:44,002,905, G>A on the plus strand (C>T on the coding strand, the complement: SLC6A9 is on the minus strand). VCF-style: chr1-44002905-G-A. GRCh37 (hg19) VCF-style: chr1-44468577-G-A.
Other names: c.683C>T, p.Ser228Phe (NM_001261380.2); c.338C>T, p.Ser113Phe (NM_001328626.2, NM_001328630.2); c.608C>T, p.Ser203Phe (NM_001328627.1); c.476C>T, p.Ser159Phe (NM_001328628.1); c.671C>T, p.Ser224Phe (NM_001328629.1); c.728C>T, p.Ser243Phe (NM_006934.4); c.890C>T, p.Ser297Phe (NM_201649.4); short protein forms S113F, S159F, S203F, S224F, S228F, S243F, S297F.
Identifiers: ClinVar variation 4849494 (VCV004849494.1).